The following is an entry in ClinVar:

NM_000548.5(TSC2):c.2098-20G>T

Gene: TSC2 (TSC complex subunit 2; plus strand). Cytogenetic location: 16p13.3.
Variant type: single nucleotide variant.
Coding change: c.2098-20G>T on transcript NM_000548.5 (MANE Select); 20 bases into the intron before coding-DNA position 2098, G replaced by T.
Molecular consequence: intron variant. On other transcripts: non-coding transcript variant (2).
Genome position (GRCh38, 1-based): chr16:2,072,221, G>T. VCF-style: chr16-2072221-G-T. GRCh37 (hg19) VCF-style: chr16-2122222-G-T.
Other names: c.754-20G>T (NM_001406693.1, NM_001406689.1, NM_001406690.1 and 6 more transcripts); c.2188-20G>T (NM_001406667.1, NM_001406668.1); c.1498-20G>T (NM_001406680.1, NM_001406683.1, NM_001406687.1 and 6 more transcripts); c.496-20G>T (NM_001406698.1); c.2098-20G>T (NM_001114382.3, NM_001406663.1, NM_001406664.1 and 6 more transcripts); c.2086-20G>T (NM_001406671.1, NM_001406673.1); c.1636-20G>T (NM_001406681.1); c.1987-20G>T (NM_001406670.1, NM_001318827.2, NM_001406678.1); and 3 more.
Identifiers: ClinVar variation 4071074 (VCV004071074.1).

ClinVar aggregate classification (germline): Likely benign (1 of 4 stars; one submission).

Conditions:
Tuberous sclerosis 2 (TSC2). Identifiers: Orphanet 805, MedGen C1860707, MONDO:0013199, OMIM 613254.

Submission:

Myriad Genetics, Inc.
Classification: Likely benign for Tuberous sclerosis 2. Last evaluated: 2025-05-19. Review status: criteria provided, single submitter. Criteria: Myriad Autosomal Dominant, Autosomal Recessive and X-Linked Classification Criteria (2023). Collection method: clinical testing. Allele origin: unknown.
Comment: This variant is considered likely benign. This variant is intronic and is not expected to impact mRNA splicing.